The following is an entry in ClinVar:

ClinVar aggregate classification (germline): Conflicting classifications of pathogenicity. Review status: criteria provided, conflicting classifications (1 of 4 stars). 9 submissions from 9 submitters: Uncertain significance (5); Likely benign (3). 1 of the submissions does not count toward it. Last evaluated 2026-08-04.

Conditions:
COL9A1-related disorder. Also called: COL9A1-related condition; COL9A1-related disorders.
Connective tissue disorder. Also called: Connective tissue disease. Identifiers: MedGen C0009782, MONDO:0003900.
Stickler syndrome, type 4 (STL4). Identifiers: Orphanet 250984, Orphanet 828, MedGen C3279941, MONDO:0013590, OMIM 614134.
Hearing impairment. Also called: Impaired Hearing. Identifiers: MedGen C1384666, MONDO:0005365, HP:0000365.

Allele frequency attached by ClinVar (database versions not stated): 1000 Genomes Project 0.00060; 1000 Genomes Project 30x 0.00062; ExAC 0.00069; gnomAD exomes 0.00074; ESP Exome Variant Server 0.00079; gnomAD 0.00083 and 0.00090; TOPMed 0.00088.
gnomAD v4.1: 1,916 of 1,612,222 alleles (0.12%); highest among the groups gnomAD compares: Non-Finnish European, 0.14%; 3 homozygotes.

Submissions (9):

GeneDx
Classification: Uncertain significance. Last evaluated: 2026-08-04. Review status: criteria provided, single submitter. Criteria: GeneDx Variant Classification Process June 2021. Collection method: clinical testing. Allele origin: germline.
Comment: In silico analysis supports that this missense variant has a deleterious effect on protein structure/function

Labcorp Genetics (formerly Invitae), Labcorp
Classification: Likely benign. Last evaluated: 2026-01-27. Review status: criteria provided, single submitter. Criteria: Invitae Variant Classification Sherloc (09022015). Collection method: clinical testing. Allele origin: germline.

Women's Health and Genetics/Laboratory Corporation of America, LabCorp
Classification: Likely benign. Last evaluated: 2025-07-23. Review status: criteria provided, single submitter. Criteria: LabCorp Variant Classification Summary - May 2015. Collection method: clinical testing. Allele origin: germline.
Comment: Variant summary: COL9A1 c.902C>T (p.Pro301Leu) results in a non-conservative amino acid change in the encoded protein sequence. Algorithms developed to predict the effect of missense changes on protein structure and function all suggest that this variant is likely to be disruptive. The variant allele was found at a frequency of 0.0012 in 1612222 control chromosomes in the gnomAD database, including 3 homozygotes. To our knowledge, no occurrence of c.902C>T in individuals affected with COL9A1-Related Disorders and no experimental evidence demonstrating its impact on protein function have been reported. ClinVar contains an entry for this variant (Variation ID: 357811). Based on the evidence outlined above, the variant was classified as likely benign.

Blueprint Genetics
Classification: Likely benign. Last evaluated: 2024-11-26. Review status: criteria provided, single submitter. Criteria: ACMG Guidelines, 2015. Collection method: clinical testing. Allele origin: germline.

Neuberg Centre For Genomic Medicine, NCGM
Classification: Uncertain significance for Stickler syndrome, type 4. Last evaluated: 2023-03-01. Review status: criteria provided, single submitter. Criteria: ACMG Guidelines, 2015. Collection method: clinical testing. Allele origin: germline. Inheritance: Autosomal recessive inheritance. Affected: yes.
Comment: The missense c.902C>T(p.Pro301Leu) variant in COL9A1 gene has not been reported previously as a pathogenic variant nor a benign variant, to our knowledge. The p.Pro301Leu variant has been reported with allele frequency of 0.07% in gnomAD Exomes. This variant has been reported to the ClinVar database as Likely Benign / Uncertain Significance (multiple submissions). The amino acid change p.Pro301Leu in COL9A1 is predicted as conserved by GERP++ and PhyloP across 100 vertebrates. The amino acid Pro at position 301 is changed to a Leu changing protein sequence and it might alter its composition and physico-chemical properties. For these reasons, this variant has been classified as a Variant of Uncertain Significance (VUS).

Department of Otolaryngology – Head & Neck Surgery, Cochlear Implant Center
Classification: Uncertain significance for Hearing impairment. Last evaluated: 2021-04-12. Review status: criteria provided, single submitter. Criteria: ClinGen HL ACMG Specifications v1. Collection method: clinical testing. Allele origin: germline. Affected: yes.
Comment: PP3_Supporting

Genome Diagnostics Laboratory, The Hospital for Sick Children
Classification: Uncertain significance for Connective tissue disorder. Last evaluated: 2020-04-01. Review status: criteria provided, single submitter. Criteria: ACMG Guidelines, 2015. Collection method: clinical testing. Allele origin: germline.

Athena Diagnostics
Classification: Uncertain significance. Last evaluated: 2018-08-31. Review status: criteria provided, single submitter. Criteria: Athena Diagnostics Criteria. Collection method: clinical testing. Allele origin: germline.

PreventionGenetics, part of Exact Sciences
Classification: Likely benign for COL9A1-related condition. Last evaluated: 2022-03-18. Review status: no assertion criteria provided. Collection method: clinical testing. Allele origin: germline. Not counted in ClinVar's aggregate classification.
Comment: This variant is classified as likely benign based on ACMG/AMP sequence variant interpretation guidelines (Richards et al. 2015 PMID: 25741868, with internal and published modifications).

Literature cited by the submitters: PubMed 24036952 (cited by Athena Diagnostics).

NM_001851.6(COL9A1):c.902C>T (p.Pro301Leu)

Gene: COL9A1 (collagen type IX alpha 1 chain; minus strand). Cytogenetic location: 6q13.
Variant type: single nucleotide variant.
Coding change: c.902C>T on transcript NM_001851.6 (MANE Select); coding-DNA position 902, C replaced by T.
Protein change: p.Pro301Leu; replaces proline 301 with leucine.
Molecular consequence: missense variant. On other transcripts: non-coding transcript variant (1).
Genome position (GRCh38, 1-based): chr6:70,281,014, G>A on the plus strand (C>T on the coding strand, the complement: COL9A1 is on the minus strand). VCF-style: chr6-70281014-G-A. GRCh37 (hg19) VCF-style: chr6-70990717-G-A.
Other names: c.173C>T, p.Pro58Leu (NM_001377289.1, NM_001377290.1, NM_078485.4); c.902C>T, p.Pro301Leu (NM_001377291.1); short protein forms P301L, P58L.
Identifiers: ClinVar variation 357811 (VCV000357811.31), dbSNP rs192047082, ClinGen allele CA3882594.
Genomic context (GRCh38, chr6:70,281,014, plus strand): 5'-AACACGTCTAAAGGAAGGAAGTGGAGCGCCATATGCTCCAATCAACTTACCGGGGGGCCC[G>A]GGGGGCCCTTAGGACCTCGGTCACCCTGGAGGGGTAGGAGAAAAAGAGAGAGCAGTCTAT-3'
Protein context (NP_001842.3, residues 291-311): IDGDRGPKGP[Pro301Leu]GPPGPAGEPG